The following is an entry in ClinVar:

NM_001379291.1(BRD4):c.3841C>T (p.Arg1281Trp)

Gene: BRD4 (bromodomain containing 4; minus strand). Cytogenetic location: 19p13.12.
Variant type: single nucleotide variant.
Coding change: c.3841C>T on transcript NM_001379291.1 (MANE Select); coding-DNA position 3841, C replaced by T.
Protein change: p.Arg1281Trp; replaces arginine 1281 with tryptophan.
Molecular consequence: missense variant.
Genome position (GRCh38, 1-based): chr19:15,238,922, G>A on the plus strand (C>T on the coding strand, the complement: BRD4 is on the minus strand). VCF-style: chr19-15238922-G-A. GRCh37 (hg19) VCF-style: chr19-15349733-G-A.
Other names: c.3841C>T, p.Arg1281Trp (NM_058243.3); short protein forms R1281W.
Identifiers: ClinVar variation 2906725 (VCV002906725.3), dbSNP rs754054879, ClinGen allele CA9264511.

ClinVar aggregate classification (germline): Uncertain significance (1 of 4 stars; one submission).

Allele frequency attached by ClinVar (database versions not stated): ExAC 0.00001; gnomAD exomes 0.00002; TOPMed 0.00002.
gnomAD v4.1: 34 of 1,597,680 alleles (0.0021%); highest among the groups gnomAD compares: Non-Finnish European, 0.0028%; no homozygotes.

Submission:

Labcorp Genetics (formerly Invitae), Labcorp
Classification: Uncertain significance. Last evaluated: 2023-06-09. Review status: criteria provided, single submitter. Criteria: Invitae Variant Classification Sherloc (09022015). Collection method: clinical testing. Allele origin: germline.
Comment: In summary, the available evidence is currently insufficient to determine the role of this variant in disease. Therefore, it has been classified as a Variant of Uncertain Significance. An algorithm developed to predict the effect of missense changes on protein structure and function (PolyPhen-2) suggests that this variant is likely to be disruptive. This variant has not been reported in the literature in individuals affected with BRD4-related conditions. The frequency data for this variant in the population databases is considered unreliable, as metrics indicate poor data quality at this position in the gnomAD database. This sequence change replaces arginine, which is basic and polar, with tryptophan, which is neutral and slightly polar, at codon 1281 of the BRD4 protein (p.Arg1281Trp).